The following is an entry in ClinVar:

NM_000238.4(KCNH2):c.2739G>A (p.Ala913=)

Gene: KCNH2 (potassium voltage-gated channel subfamily H member 2; minus strand). Cytogenetic location: 7q36.1.
Variant type: single nucleotide variant.
Coding change: c.2739G>A on transcript NM_000238.4 (MANE Select); coding-DNA position 2739, G replaced by A.
Protein change: p.Ala913=; no amino-acid change (alanine 913 retained).
Molecular consequence: synonymous variant.
Genome position (GRCh38, 1-based): chr7:150,947,832, C>T on the plus strand (G>A on the coding strand, the complement: KCNH2 is on the minus strand). VCF-style: chr7-150947832-C-T. GRCh37 (hg19) VCF-style: chr7-150644920-C-T.
Other names: c.1719G>A, p.Ala573= (NM_172057.3).
Identifiers: ClinVar variation 216327 (VCV000216327.55), dbSNP rs776097223, ClinGen allele CA034686.

ClinVar aggregate classification (germline): Conflicting classifications of pathogenicity. Review status: criteria provided, conflicting classifications (1 of 4 stars). 9 submissions from 9 submitters: Uncertain significance (1); Likely benign (7). 1 of the submissions does not count toward it. Last evaluated 2026-02-03.

Conditions:
KCNH2-related disorder. Also called: KCNH2-related condition; KCNH2-related disorders.
Cardiovascular phenotype. Identifiers: MedGen CN230736.
Cardiac arrhythmia. Also called: Cardiac rhythm disease; Arrhythmia. Identifiers: MedGen C0003811, MONDO:0007263, HP:0011675.
Long QT syndrome (LQTS). Identifiers: MedGen C0023976, MeSH D008133, MONDO:0002442. Disease mechanism: loss of function. Inheritance: Various modes of inheritance.
Long QT syndrome 2 (LQT2). Identifiers: Orphanet 101016, Orphanet 768, MedGen C3150943, MONDO:0013367, OMIM 613688.

Allele frequency attached by ClinVar (database versions not stated): gnomAD 0.00010; TOPMed 0.00017; gnomAD exomes 0.00044; ExAC 0.00115.
gnomAD v4.1: 345 of 1,525,506 alleles (0.023%); highest among the groups gnomAD compares: Middle Eastern, 0.046%; 1 homozygote.

Submissions (9):

Labcorp Genetics (formerly Invitae), Labcorp
Classification: Likely benign for Long QT syndrome. Last evaluated: 2026-02-03. Review status: criteria provided, single submitter. Criteria: Invitae Variant Classification Sherloc (09022015). Collection method: clinical testing. Allele origin: germline.

Blueprint Genetics
Classification: Likely benign. Last evaluated: 2024-11-04. Review status: criteria provided, single submitter. Criteria: ACMG Guidelines, 2015. Collection method: clinical testing. Allele origin: germline.

CeGaT Center for Human Genetics Tuebingen
Classification: Likely benign. Last evaluated: 2024-11-01. Review status: criteria provided, single submitter. Criteria: CeGaT Center For Human Genetics Tuebingen Variant Classification Criteria Version 2. Collection method: clinical testing. Allele origin: germline. Affected: yes. Observed: 8 variant alleles.
Comment: KCNH2: BP4, BP7

All of Us Research Program, National Institutes of Health
Classification: Likely benign for Long QT syndrome. Last evaluated: 2024-02-05. Review status: criteria provided, single submitter. Criteria: ACMG Guidelines, 2015. Collection method: clinical testing. Allele origin: germline. Inheritance: Autosomal dominant inheritance. Observed: 79 variant alleles, 79 heterozygotes.
Comment: This study involves interpretation of variants in research participants for the purpose of population health screening. Participant phenotype was not available at the time of variant classification. Additional details can be found in publication PMID: 35346344, PMCID: PMC8962531

Color Diagnostics, LLC DBA Color Health
Classification: Likely benign for Arrhythmia. Last evaluated: 2018-03-23. Review status: criteria provided, single submitter. Criteria: ACMG Guidelines, 2015. Collection method: clinical testing. Allele origin: germline.

Illumina Laboratory Services, Illumina
Classification: Uncertain significance for Long QT syndrome 2. Last evaluated: 2018-03-15. Review status: criteria provided, single submitter. Criteria: ICSL Variant Classification Criteria 13 December 2019. Collection method: clinical testing. Allele origin: germline.

GeneDx
Classification: Likely benign. Last evaluated: 2017-01-09. Review status: criteria provided, single submitter. Criteria: GeneDx Variant Classification (06012015). Collection method: clinical testing. Allele origin: germline. Affected: yes.
Comment: This variant is considered likely benign or benign based on one or more of the following criteria: it is a conservative change, it occurs at a poorly conserved position in the protein, it is predicted to be benign by multiple in silico algorithms, and/or has population frequency not consistent with disease.

Ambry Genetics
Classification: Likely benign for Cardiovascular phenotype. Last evaluated: 2016-09-09. Review status: criteria provided, single submitter. Criteria: Ambry Variant Classification Scheme 2023. Collection method: clinical testing. Allele origin: germline.

PreventionGenetics, part of Exact Sciences
Classification: Likely benign for KCNH2-related condition. Last evaluated: 2019-07-01. Review status: no assertion criteria provided. Collection method: clinical testing. Allele origin: germline. Not counted in ClinVar's aggregate classification.
Comment: This variant is classified as likely benign based on ACMG/AMP sequence variant interpretation guidelines (Richards et al. 2015 PMID: 25741868, with internal and published modifications).